The following is an entry in ClinVar:

ClinVar aggregate classification (germline): Likely pathogenic (1 of 4 stars; one submission).

Conditions:
Autosomal recessive limb-girdle muscular dystrophy type 2J (LGMDR10). Also called: Limb-girdle muscular dystrophy, type 2J; MUSCULAR DYSTROPHY, LIMB-GIRDLE, AUTOSOMAL RECESSIVE 10. Identifiers: Orphanet 140922, MedGen C1837342, MONDO:0012127, OMIM 608807.
Dilated cardiomyopathy 1G (CMD1G). Identifiers: Orphanet 154, MedGen C1858763, MONDO:0011400, OMIM 604145.

Submission:

Labcorp Genetics (formerly Invitae), Labcorp
Classification: Likely pathogenic for Dilated cardiomyopathy 1G; Autosomal recessive limb-girdle muscular dystrophy type 2J. Last evaluated: 2024-02-01. Review status: criteria provided, single submitter. Criteria: Invitae Variant Classification Sherloc (09022015). Collection method: clinical testing. Allele origin: germline.
Comment: This sequence change creates a premature translational stop signal (p.Lys21929Argfs*26) in the TTN gene. While this is not anticipated to result in nonsense mediated decay, it is expected to create a truncated TTN protein. This variant is not present in population databases (gnomAD no frequency). This variant has not been reported in the literature in individuals affected with TTN-related conditions. This variant is located in the A band of TTN (PMID: 25589632). Truncating variants in this region are significantly overrepresented in patients affected with dilated cardiomyopathy (PMID: 25589632). Truncating variants in this region have also been reported in individuals affected with autosomal recessive centronuclear myopathy (PMID: 23975875). In summary, the currently available evidence indicates that the variant is pathogenic, but additional data are needed to prove that conclusively. Therefore, this variant has been classified as Likely Pathogenic.

Literature cited by the submitters: PubMed 25589632; PubMed 23975875.

NM_001267550.2(TTN):c.65784del (p.Lys21929fs)

Genes: TTN-AS1 (TTN antisense RNA 1; plus strand), TTN (titin; minus strand). Cytogenetic location: 2q31.2.
Variant type: Deletion.
Coding change: c.65784del on transcript NM_001267550.2 (MANE Select); coding-DNA position 65784, one base deleted (G; older notation c.65784delG).
Protein change: p.Lys21929fs; shifts the reading frame from lysine 21929.
Molecular consequence: frameshift variant. On other transcripts: non-coding transcript variant (1).
Genome position (GRCh38, 1-based): chr2:178,583,019, C deleted on the plus strand (G on the coding strand, the reverse complement: TTN is on the minus strand); the first of 2 consecutive C bases (chr2:178,583,019-178,583,020); deleting either gives the same sequence. VCF-style (leftmost placement, unchanged base first): chr2-178583018-TC-T. GRCh37 (hg19) VCF-style: chr2-179447745-TC-T.
Other names: c.60861del, p.Lys20288fs (NM_001256850.1); c.38589del, p.Lys12864fs (NM_003319.4); c.58080del, p.Lys19361fs (NM_133378.4); c.38964del, p.Lys12989fs (NM_133432.3); c.39165del, p.Lys13056fs (NM_133437.4); short protein forms K12864fs, K12989fs, K13056fs, K19361fs, K20288fs, K21929fs.
Identifiers: ClinVar variation 3754345 (VCV003754345.2).
Genomic context (GRCh38, chr2:178,583,018, plus strand): 5'-TGGTGGCTGATTTAGAACCACTTGAATTTTCAGCAGTAATGGTATAGTCTCCTGAGTCCT[TC>T]CGGTTCACGCTGAATAGCTCCAAGGTGCACAGATTCCGCTGCATGGCCATCTTTATGCCT-3'